The following is an entry in ClinVar:

NM_022100.3(MRPS14):c.335G>A (p.Arg112His)

Gene: MRPS14 (mitochondrial ribosomal protein S14; minus strand). Cytogenetic location: 1q25.1.
Variant type: single nucleotide variant.
Coding change: c.335G>A on transcript NM_022100.3 (MANE Select); coding-DNA position 335, G replaced by A.
Protein change: p.Arg112His; replaces arginine 112 with histidine.
Molecular consequence: missense variant. On other transcripts: non-coding transcript variant (1).
Genome position (GRCh38, 1-based): chr1:175,014,721, C>T on the plus strand (G>A on the coding strand, the complement: MRPS14 is on the minus strand). VCF-style: chr1-175014721-C-T. GRCh37 (hg19) VCF-style: chr1-174983857-C-T.
Other names: short protein forms R112H.
Identifiers: ClinVar variation 2985192 (VCV002985192.3), dbSNP rs748223434, ClinGen allele CA1253624.

ClinVar aggregate classification (germline): Uncertain significance (1 of 4 stars; one submission).

Allele frequency attached by ClinVar (database versions not stated): gnomAD exomes below 0.00001.

Submission:

Labcorp Genetics (formerly Invitae), Labcorp
Classification: Uncertain significance. Last evaluated: 2023-08-28. Review status: criteria provided, single submitter. Criteria: Invitae Variant Classification Sherloc (09022015). Collection method: clinical testing. Allele origin: germline.
Comment: In summary, the available evidence is currently insufficient to determine the role of this variant in disease. Therefore, it has been classified as a Variant of Uncertain Significance. An algorithm developed to predict the effect of missense changes on protein structure and function (PolyPhen-2) suggests that this variant is likely to be disruptive. This variant has not been reported in the literature in individuals affected with MRPS14-related conditions. This variant is present in population databases (rs748223434, gnomAD 0.0009%). This sequence change replaces arginine, which is basic and polar, with histidine, which is basic and polar, at codon 112 of the MRPS14 protein (p.Arg112His).